The following is an entry in ClinVar:

NM_000807.4(GABRA2):c.1060-5643C>T

Gene: GABRA2 (gamma-aminobutyric acid type A receptor subunit alpha2; minus strand). Cytogenetic location: 4p12.
Variant type: single nucleotide variant.
Coding change: c.1060-5643C>T on transcript NM_000807.4 (MANE Select); 5643 bases into the intron before coding-DNA position 1060, C replaced by T.
Molecular consequence: intron variant. On other transcripts: missense variant (4).
Genome position (GRCh38, 1-based): chr4:46,256,247, G>A on the plus strand (C>T on the coding strand, the complement: GABRA2 is on the minus strand). VCF-style: chr4-46256247-G-A. GRCh37 (hg19) VCF-style: chr4-46258264-G-A.
Other names: c.1187C>T, p.Thr396Ile (NM_001330690.2, NM_001377144.1, NM_001377145.1); c.895-5643C>T (NM_001377154.1, NM_001377152.1, NM_001377153.1); c.1060-5643C>T (NM_001377146.1, NM_001377150.1, NM_001377147.1 and 4 more transcripts); c.1022C>T, p.Thr341Ile (NM_001286827.3); short protein forms T341I, T396I.
Identifiers: ClinVar variation 2414234 (VCV002414234.8), dbSNP rs1715801888, ClinGen allele CA356803319.

ClinVar aggregate classification (germline): Uncertain significance. Review status: criteria provided, multiple submitters, no conflicts (2 of 4 stars). 2 submissions from 2 submitters: Uncertain significance (2). Last evaluated 2025-11-14.

Allele frequency attached by ClinVar (database versions not stated): gnomAD exomes 0.00001; TOPMed below 0.00001.
gnomAD v4.1: 4 of 695,010 alleles (0.00058%); highest among the groups gnomAD compares: Admixed American, 0.002%; no homozygotes.

Submissions (2):

Dasa
Classification: Uncertain significance. Last evaluated: 2025-11-14. Review status: criteria provided, single submitter. Criteria: DASA Assertion Criteria. Collection method: clinical testing. Allele origin: germline.
Comment: NM_001286827.3(GABRA2):c.1022C>T (p.Thr341Ile) is a missense variant that results in the substitution of threonine with isoleucine. This variant is rare in population databases. The currently available literature and clinical evidence are not sufficient to establish a definitive association between this variant and the reported condition. Therefore, this variant is classified as a variant of uncertain significance.

Labcorp Genetics (formerly Invitae), Labcorp
Classification: Uncertain significance. Last evaluated: 2023-08-23. Review status: criteria provided, single submitter. Criteria: Invitae Variant Classification Sherloc (09022015). Collection method: clinical testing. Allele origin: germline.
Comment: An algorithm developed to predict the effect of missense changes on protein structure and function (PolyPhen-2) suggests that this variant is likely to be tolerated. ClinVar contains an entry for this variant (Variation ID: 2414234). This missense change has been observed in individual(s) with clinical features of GABRA2-related conditions (Invitae). This variant is not present in population databases (gnomAD no frequency). In summary, the available evidence is currently insufficient to determine the role of this variant in disease. Therefore, it has been classified as a Variant of Uncertain Significance. This sequence change replaces threonine, which is neutral and polar, with isoleucine, which is neutral and non-polar, at codon 396 of the GABRA2 protein (p.Thr396Ile).